The following is an entry in ClinVar:

NM_001025603.2(RFX5):c.1020_1022dup (p.Ile341dup)

Gene: RFX5 (regulatory factor X5; minus strand). Cytogenetic location: 1q21.3.
Variant type: Duplication.
Coding change: c.1020_1022dup on transcript NM_001025603.2 (MANE Select); coding-DNA positions 1020 to 1022, 3 bases duplicated (AAT; older notation c.1020_1022dupAAT).
Protein change: p.Ile341dup; duplicates isoleucine 341.
Molecular consequence: inframe insertion.
Genome position (GRCh38, 1-based): chr1:151,343,015-151,343,017, ATT duplicated on the plus strand (AAT on the coding strand, the reverse complement: RFX5 is on the minus strand); duplicating any 3 consecutive bases within chr1:151,343,015-151,343,018 gives the same sequence; the c. name uses the placement nearest the transcript's 3' end. VCF-style (leftmost placement, unchanged base first): chr1-151343014-A-AATT. GRCh37 (hg19) VCF-style: chr1-151315490-A-AATT.
Other names: c.1020_1022dupAAT (NM_000449.3); c.1020_1022dup, p.Ile341dup (NM_000449.4, NM_001379412.1, NM_001379413.1 and 5 more transcripts); c.900_902dup, p.Ile301dup (NM_001379419.1, NM_001379420.1).
Identifiers: ClinVar variation 656210 (VCV000656210.6), dbSNP rs1571257755, ClinGen allele CA915941406.

ClinVar aggregate classification (germline): Uncertain significance (1 of 4 stars; one submission).

Conditions:
MHC class II deficiency. Also called: Bare lymphocyte syndrome 2; BLS, TYPE II. Identifiers: Orphanet 572, MedGen C5447452, MONDO:0008855.

Submission:

Labcorp Genetics (formerly Invitae), Labcorp
Classification: Uncertain significance for MHC class II deficiency. Last evaluated: 2018-10-10. Review status: criteria provided, single submitter. Criteria: Invitae Variant Classification Sherloc (09022015). Collection method: clinical testing. Allele origin: germline.
Comment: Experimental studies and prediction algorithms are not available for this variant, and the functional significance of the affected amino acid(s) is currently unknown. In summary, the available evidence is currently insufficient to determine the role of this variant in disease. Therefore, it has been classified as a Variant of Uncertain Significance. This variant has not been reported in the literature in individuals with RFX5-related disease. This variant is not present in population databases (ExAC no frequency). This variant, c.1020_1022dupAAT, results in the insertion of 1 amino acid(s) to the RFX5 protein (p.Ile341dup), but otherwise preserves the integrity of the reading frame.